The following is an entry in ClinVar:

NM_001164508.2(NEB):c.24175_24178dup (p.Val8060fs)

Genes: NEB (nebulin; minus strand), RIF1 (replication timing regulatory factor 1; plus strand). Cytogenetic location: 2q23.3.
Variant type: Microsatellite.
Coding change: c.24175_24178dup on transcript NM_001164508.2 (MANE Select); coding-DNA positions 24175 to 24178, 4 bases duplicated (AGAG; older notation c.24175_24178dupAGAG).
Protein change: p.Val8060fs; shifts the reading frame from valine 8060.
Molecular consequence: frameshift variant. On other transcripts: intron variant (1).
Genome position (GRCh38, 1-based): chr2:151,498,289-151,498,292, CTCT duplicated on the plus strand (AGAG on the coding strand, the reverse complement: NEB is on the minus strand); duplicating any 4 consecutive bases within chr2:151,498,289-151,498,294 gives the same sequence; the c. name uses the placement nearest the transcript's 3' end. VCF-style (leftmost placement, unchanged base first): chr2-151498288-A-ACTCT. GRCh37 (hg19) VCF-style: chr2-152354802-A-ACTCT.
Other names: c.24175_24178dup, p.Val8060fs (NM_001164507.2); c.24280_24283dup, p.Val8095fs (NM_001271208.2); c.18826-1926AG[5] (NM_004543.5); short protein forms V8060fs, V8095fs.
Identifiers: ClinVar variation 1433559 (VCV001433559.6), dbSNP rs1266535163, ClinGen allele CA2577119225.

ClinVar aggregate classification (germline): Pathogenic (1 of 4 stars; one submission).

Conditions:
Nemaline myopathy 2 (NEM2). Also called: Nemaline myopathy 2, autosomal recessive. Identifiers: MedGen C1850569, MONDO:0009725, OMIM 256030.

Submission:

Labcorp Genetics (formerly Invitae), Labcorp
Classification: Pathogenic for Nemaline myopathy 2. Last evaluated: 2021-11-26. Review status: criteria provided, single submitter. Criteria: Invitae Variant Classification Sherloc (09022015). Collection method: clinical testing. Allele origin: germline.
Comment: This sequence change creates a premature translational stop signal (p.Val8095Glufs*10) in the NEB gene. It is expected to result in an absent or disrupted protein product. Loss-of-function variants in NEB are known to be pathogenic (PMID: 25205138). This variant is not present in population databases (gnomAD no frequency). This premature translational stop signal has been observed in individual(s) with NEB-related conditions (PMID: 32528171). This variant is also known as c.24175_24178dup (p.V8060Efs*10). For these reasons, this variant has been classified as Pathogenic.

Literature cited by the submitters: PubMed 25205138; PubMed 32528171.